The following is an entry in ClinVar:

ClinVar aggregate classification (germline): Uncertain significance (1 of 4 stars; one submission).

Conditions:
LAMA2-related muscular dystrophy (LAMA2-RD). Also called: Laminin alpha 2-related dystrophy. Identifiers: MedGen C5679788, MONDO:0100228.

Allele frequency attached by ClinVar (database versions not stated): TOPMed below 0.00001.

Submission:

Labcorp Genetics (formerly Invitae), Labcorp
Classification: Uncertain significance for LAMA2-related muscular dystrophy. Last evaluated: 2018-11-30. Review status: criteria provided, single submitter. Criteria: Invitae Variant Classification Sherloc (09022015). Collection method: clinical testing. Allele origin: germline.
Comment: In summary, the available evidence is currently insufficient to determine the role of this variant in disease. Therefore, it has been classified as a Variant of Uncertain Significance. Algorithms developed to predict the effect of missense changes on protein structure and function (SIFT, PolyPhen-2, Align-GVGD) all suggest that this variant is likely to be tolerated, but these predictions have not been confirmed by published functional studies and their clinical significance is uncertain. This variant has not been reported in the literature in individuals with LAMA2-related conditions. This variant is not present in population databases (ExAC no frequency). This sequence change replaces alanine with serine at codon 1000 of the LAMA2 protein (p.Ala1000Ser). The alanine residue is moderately conserved and there is a moderate physicochemical difference between alanine and serine.

NM_000426.4(LAMA2):c.2998G>T (p.Ala1000Ser)

Gene: LAMA2 (laminin subunit alpha 2; plus strand). Cytogenetic location: 6q22.33.
Variant type: single nucleotide variant.
Coding change: c.2998G>T on transcript NM_000426.4 (MANE Select); coding-DNA position 2998, G replaced by T.
Protein change: p.Ala1000Ser; replaces alanine 1000 with serine.
Molecular consequence: missense variant.
Genome position (GRCh38, 1-based): chr6:129,297,826, G>T. VCF-style: chr6-129297826-G-T. GRCh37 (hg19) VCF-style: chr6-129618971-G-T.
Other names: c.2998G>T, p.Ala1000Ser (NM_001079823.2); short protein forms A1000S.
Identifiers: ClinVar variation 664493 (VCV000664493.9), dbSNP rs770774752, ClinGen allele CA365611214.
Genomic context (GRCh38, chr6:129,297,826, plus strand): 5'-GAAGAGAGTGGACAATGTTGGTGCCAACCTGGAGTCACAGGGAAGAAATGTGACCGCTGT[G>T]CCCACGGCTATTTCAACTTCCAAGAAGGAGGCTGCACAGGTCTGTAAATATGACTTAAGT-3'
Protein context (NP_000417.3, residues 990-1010): GVTGKKCDRC[Ala1000Ser]HGYFNFQEGG